The following is an entry in ClinVar:

NM_012186.3(FOXE3):c.194G>A (p.Arg65Gln)

Genes: FOXE3 (forkhead box E3; plus strand), LINC01389 (long independently transcribed non-coding RNA 1389; minus strand). Cytogenetic location: 1p33.
Variant type: single nucleotide variant.
Coding change: c.194G>A on transcript NM_012186.3 (MANE Select); coding-DNA position 194, G replaced by A.
Protein change: p.Arg65Gln; replaces arginine 65 with glutamine.
Molecular consequence: missense variant.
Genome position (GRCh38, 1-based): chr1:47,416,509, G>A. VCF-style: chr1-47416509-G-A. GRCh37 (hg19) VCF-style: chr1-47882181-G-A.
Other names: short protein forms R65Q.
Identifiers: ClinVar variation 3764044 (VCV003764044.2).
Genomic context (GRCh38, chr1:47,416,509, plus strand): 5'-CGGCTGGCCGCGGAGAGGCGGCCCCCACGCCCGCGCCCGGCCCGGGGCGGCGGCGGCGGC[G>A]GCCCCTGCAGCGCGGGAAGCCGCCCTACTCGTACATCGCGCTCATCGCCATGGCTCTGGC-3'
Protein context (NP_036318.1, residues 55-75): PAPGPGRRRR[Arg65Gln]PLQRGKPPYS

ClinVar aggregate classification (germline): Uncertain significance (1 of 4 stars; one submission).

Conditions:
Congenital primary aphakia. Also called: Anterior segment dysgenesis 2, multiple subtypes; ANTERIOR SEGMENT DYSGENESIS 2. Identifiers: Orphanet 83461, MedGen C1853230, MONDO:0012456, OMIM 610256.
Anterior segment dysgenesis. Also called: Ocular anterior segment dysgenesis. Identifiers: Orphanet 88632, MedGen C1862839, MONDO:0019503, HP:0007700.

Submission:

Labcorp Genetics (formerly Invitae), Labcorp
Classification: Uncertain significance for Anterior segment dysgenesis; Congenital primary aphakia. Last evaluated: 2025-02-01. Review status: criteria provided, single submitter. Criteria: Invitae Variant Classification Sherloc (09022015). Collection method: clinical testing. Allele origin: germline.
Comment: This sequence change replaces arginine, which is basic and polar, with glutamine, which is neutral and polar, at codon 65 of the FOXE3 protein (p.Arg65Gln). This variant is not present in population databases (gnomAD no frequency). This variant has not been reported in the literature in individuals affected with FOXE3-related conditions. Invitae Evidence Modeling of protein sequence and biophysical properties (such as structural, functional, and spatial information, amino acid conservation, physicochemical variation, residue mobility, and thermodynamic stability) indicates that this missense variant is not expected to disrupt FOXE3 protein function with a negative predictive value of 80%. In summary, the available evidence is currently insufficient to determine the role of this variant in disease. Therefore, it has been classified as a Variant of Uncertain Significance.